The following is an entry in ClinVar:

ClinVar aggregate classification (germline): Uncertain significance (1 of 4 stars; one submission).

Conditions:
Hereditary hemorrhagic telangiectasia (HHT). Also called: ORW DISEASE; Osler Weber Rendu syndrome; OSLER-RENDU-WEBER DISEASE; Osler hemorrhagic telangiectasia syndrome. Identifiers: Orphanet 774, MedGen C0039445, MONDO:0019180. Disease mechanism: loss of function.

Allele frequency attached by ClinVar (database versions not stated): gnomAD 0.00001; TOPMed 0.00002.
gnomAD v4.1: 1 of 1,613,880 alleles (0.000062%); highest among the groups gnomAD compares: Admixed American, 0.0017%; no homozygotes.

Submission:

Labcorp Genetics (formerly Invitae), Labcorp
Classification: Uncertain significance for Hereditary hemorrhagic telangiectasia. Last evaluated: 2021-03-17. Review status: criteria provided, single submitter. Criteria: Invitae Variant Classification Sherloc (09022015). Collection method: clinical testing. Allele origin: germline.
Comment: This sequence change falls in intron 11 of the ENG gene. It does not directly change the encoded amino acid sequence of the ENG protein. It affects a nucleotide within the consensus splice site of the intron. This variant is not present in population databases (ExAC no frequency). This variant has not been reported in the literature in individuals with ENG-related conditions. Nucleotide substitutions within the consensus splice site are a relatively common cause of aberrant splicing (PMID: 17576681, 9536098). Algorithms developed to predict the effect of sequence changes on RNA splicing suggest that this variant may create or strengthen a splice site, but this prediction has not been confirmed by published transcriptional studies. In summary, the available evidence is currently insufficient to determine the role of this variant in disease. Therefore, it has been classified as a Variant of Uncertain Significance.

Literature cited by the submitters: PubMed 17576681; PubMed 9536098.

NM_001114753.3(ENG):c.1428+5C>G

Genes: ENG (endoglin; minus strand), LOC102723566 (uncharacterized LOC102723566; plus strand). Cytogenetic location: 9q34.11.
Variant type: single nucleotide variant.
Coding change: c.1428+5C>G on transcript NM_001114753.3 (MANE Select); 5 bases into the intron after coding-DNA position 1428, C replaced by G.
Molecular consequence: intron variant. On other transcripts: non-coding transcript variant (1).
Genome position (GRCh38, 1-based): chr9:127,818,711, G>C on the plus strand (C>G on the coding strand, the complement: ENG is on the minus strand). VCF-style: chr9-127818711-G-C. GRCh37 (hg19) VCF-style: chr9-130580990-G-C.
Other names: c.1428+5C>G (NM_000118.4); c.882+5C>G (NM_001278138.2).
Identifiers: ClinVar variation 1371736 (VCV001371736.2), dbSNP rs1564452925, ClinGen allele CA467226534.